The following is an entry in ClinVar:

NM_001369496.1(TBC1D10C):c.168T>C (p.Pro56=)

Genes: TBC1D10C (TBC1 domain family member 10C; plus strand), LOC130006193 (ATAC-STARR-seq lymphoblastoid active region 5091; plus strand). Cytogenetic location: 11q13.2.
Variant type: single nucleotide variant.
Coding change: c.168T>C on transcript NM_001369496.1 (MANE Select); coding-DNA position 168, T replaced by C.
Protein change: p.Pro56=; no amino-acid change (proline 56 retained).
Molecular consequence: synonymous variant. On other transcripts: 5 prime UTR variant (2), non-coding transcript variant (1).
Genome position (GRCh38, 1-based): chr11:67,405,100, T>C. VCF-style: chr11-67405100-T-C. GRCh37 (hg19) VCF-style: chr11-67172571-T-C.
Other names: c.168T>C, p.Pro56= (NM_001256508.1, NM_001369492.1, NM_001369497.1 and 2 more transcripts); c.-132T>C (NM_001369494.1, NM_001369495.1).
Identifiers: ClinVar variation 2642014 (VCV002642014.24), dbSNP rs142040344, ClinGen allele CA6137148.

ClinVar aggregate classification (germline): Likely benign (1 of 4 stars; one submission).

Allele frequency attached by ClinVar (database versions not stated): 1000 Genomes Project 30x 0.00031; 1000 Genomes Project 0.00040; ESP Exome Variant Server 0.00043; TOPMed 0.00045; gnomAD exomes 0.00049; gnomAD 0.00064; ExAC 0.00069.

Submission:

CeGaT Center for Human Genetics Tuebingen
Classification: Likely benign. Last evaluated: 2023-01-01. Review status: criteria provided, single submitter. Criteria: CeGaT Center For Human Genetics Tuebingen Variant Classification Criteria Version 2. Collection method: clinical testing. Allele origin: germline. Affected: yes. Observed: 1 variant allele.
Comment: TBC1D10C: BP4, BP7